The following is an entry in ClinVar:

NM_199355.4(ADAMTS18):c.1138G>A (p.Gly380Ser)

Gene: ADAMTS18 (ADAM metallopeptidase with thrombospondin type 1 motif 18; minus strand). Cytogenetic location: 16q23.1.
Variant type: single nucleotide variant.
Coding change: c.1138G>A on transcript NM_199355.4 (MANE Select); coding-DNA position 1138, G replaced by A.
Protein change: p.Gly380Ser; replaces glycine 380 with serine.
Molecular consequence: missense variant.
Genome position (GRCh38, 1-based): chr16:77,362,183, C>T on the plus strand (G>A on the coding strand, the complement: ADAMTS18 is on the minus strand). VCF-style: chr16-77362183-C-T. GRCh37 (hg19) VCF-style: chr16-77396080-C-T.
Other names: c.622G>A, p.Gly208Ser (NM_001326358.2); short protein forms G380S, G208S.
Identifiers: ClinVar variation 1485556 (VCV001485556.8), dbSNP rs1423668381, ClinGen allele CA396835878.

ClinVar aggregate classification (germline): Uncertain significance (1 of 4 stars; one submission).

Allele frequency attached by ClinVar (database versions not stated): TOPMed below 0.00001; gnomAD 0.00001.
gnomAD v4.1: 1 of 1,613,958 alleles (0.000062%); highest among the groups gnomAD compares: Non-Finnish European, 0.000085%; no homozygotes.

Submission:

Labcorp Genetics (formerly Invitae), Labcorp
Classification: Uncertain significance. Last evaluated: 2022-06-20. Review status: criteria provided, single submitter. Criteria: Invitae Variant Classification Sherloc (09022015). Collection method: clinical testing. Allele origin: germline.
Comment: In summary, the available evidence is currently insufficient to determine the role of this variant in disease. Therefore, it has been classified as a Variant of Uncertain Significance. Algorithms developed to predict the effect of missense changes on protein structure and function are either unavailable or do not agree on the potential impact of this missense change (SIFT: "Not Available"; PolyPhen-2: "Probably Damaging"; Align-GVGD: "Not Available"). This variant has not been reported in the literature in individuals affected with ADAMTS18-related conditions. This variant is present in population databases (no rsID available, gnomAD 0.007%). This sequence change replaces glycine, which is neutral and non-polar, with serine, which is neutral and polar, at codon 380 of the ADAMTS18 protein (p.Gly380Ser).